The following is an entry in ClinVar:

NM_001204.7(BMPR2):c.2669G>A (p.Arg890Lys)

Gene: BMPR2 (bone morphogenetic protein receptor type 2; plus strand). Cytogenetic location: 2q33.2.
Variant type: single nucleotide variant.
Coding change: c.2669G>A on transcript NM_001204.7 (MANE Select); coding-DNA position 2669, G replaced by A.
Protein change: p.Arg890Lys; replaces arginine 890 with lysine.
Molecular consequence: missense variant.
Genome position (GRCh38, 1-based): chr2:202,556,334, G>A. VCF-style: chr2-202556334-G-A. GRCh37 (hg19) VCF-style: chr2-203421057-G-A.
Other names: short protein forms R890K.
Identifiers: ClinVar variation 3824948 (VCV003824948.1).

ClinVar aggregate classification (germline): Uncertain significance (1 of 4 stars; one submission).

Conditions:
Inborn genetic diseases. Identifiers: MedGen C0950123, MeSH D030342.

Submission:

Ambry Genetics
Classification: Uncertain significance for Inborn genetic diseases. Last evaluated: 2025-03-05. Review status: criteria provided, single submitter. Criteria: Ambry Variant Classification Scheme 2023. Collection method: clinical testing. Allele origin: germline.
Comment: The p.R890K variant (also known as c.2669G>A), located in coding exon 12 of the BMPR2 gene, results from a G to A substitution at nucleotide position 2669. The arginine at codon 890 is replaced by lysine, an amino acid with highly similar properties. This amino acid position is conserved. In addition, the in silico prediction for this alteration is inconclusive. Based on the available evidence, the clinical significance of this variant remains unclear.